The following is an entry in ClinVar:

NM_001478.5(B4GALNT1):c.383+19C>T

Gene: B4GALNT1 (beta-1,4-N-acetyl-galactosaminyltransferase 1; minus strand). Cytogenetic location: 12q13.3.
Variant type: single nucleotide variant.
Coding change: c.383+19C>T on transcript NM_001478.5 (MANE Select); 19 bases into the intron after coding-DNA position 383, C replaced by T.
Molecular consequence: intron variant.
Genome position (GRCh38, 1-based): chr12:57,631,181, G>A on the plus strand (C>T on the coding strand, the complement: B4GALNT1 is on the minus strand). VCF-style: chr12-57631181-G-A. GRCh37 (hg19) VCF-style: chr12-58024964-G-A.
Other names: c.219-95C>T (NM_001276468.2); c.383+19C>T (NM_001276469.2).
Identifiers: ClinVar variation 506695 (VCV000506695.10), dbSNP rs13353074, ClinGen allele CA6655813.

ClinVar aggregate classification (germline): Benign. Review status: criteria provided, multiple submitters, no conflicts (2 of 4 stars). 3 submissions from 3 submitters: Benign (3). Last evaluated 2026-01-26.

Conditions:
Spastic paraplegia. Identifiers: MedGen C0037772, HP:0001258.

Allele frequency attached by ClinVar (database versions not stated): gnomAD exomes 0.00957; ExAC 0.01159; gnomAD 0.03352 and 0.03608; 1000 Genomes Project 0.03454; 1000 Genomes Project 30x 0.03607; TOPMed 0.03899; ESP Exome Variant Server 0.04067.
gnomAD v4.1: 10,810 of 1,613,948 alleles (0.67%); highest among the groups gnomAD compares: African/African-American, 11%; 524 homozygotes.

Submissions (3):

Labcorp Genetics (formerly Invitae), Labcorp
Classification: Benign for Spastic paraplegia. Last evaluated: 2026-01-26. Review status: criteria provided, single submitter. Criteria: Invitae Variant Classification Sherloc (09022015). Collection method: clinical testing. Allele origin: germline.

GeneDx
Classification: Benign. Last evaluated: 2017-03-31. Review status: criteria provided, single submitter. Criteria: GeneDx Variant Classification (06012015). Collection method: clinical testing. Allele origin: germline. Affected: yes.
Comment: This variant is considered likely benign or benign based on one or more of the following criteria: it is a conservative change, it occurs at a poorly conserved position in the protein, it is predicted to be benign by multiple in silico algorithms, and/or has population frequency not consistent with disease.

Breakthrough Genomics
Classification: Benign. Review status: criteria provided, single submitter. Criteria: ACMG Guidelines, 2015. Collection method: not provided. Allele origin: germline. Inheritance: Autosomal recessive inheritance. Affected: yes.